The following is an entry in ClinVar:

NC_000005.9:g.(?_34007858)_(34935958_?)dup

Genes: TTC23L (tetratricopeptide repeat domain 23 like; plus strand), C1QTNF3 (C1q and TNF related 3; minus strand), RAD1 (RAD1 checkpoint DNA exonuclease; minus strand), RAI14 (retinoic acid induced 14; plus strand), DNAJC21 (DnaJ heat shock protein family (Hsp40) member C21; plus strand) and 2 more. Cytogenetic location: 5p13.2.
Variant type: Duplication.
Identifiers: ClinVar variation 1411822 (VCV001411822.5).

ClinVar aggregate classification (germline): Uncertain significance (1 of 4 stars; one submission).

Conditions:
Alpha-methylacyl-CoA racemase deficiency (AMACRD). Also called: AMACR deficiency. Identifiers: Orphanet 79095, MedGen C3280428, MONDO:0013681, OMIM 614307. Disease mechanism: loss of function.

Submission:

Labcorp Genetics (formerly Invitae), Labcorp
Classification: Uncertain significance for Alpha-methylacyl-CoA racemase deficiency. Last evaluated: 2022-02-10. Review status: criteria provided, single submitter. Criteria: Invitae Variant Classification Sherloc (09022015). Collection method: clinical testing. Allele origin: germline.
Comment: In summary, the available evidence is currently insufficient to determine the role of this variant in disease. Therefore, it has been classified as a Variant of Uncertain Significance. Experimental studies and prediction algorithms are not available or were not evaluated, and the functional significance of this variant is currently unknown. This variant has not been reported in the literature in individuals affected with AMACR-related conditions. This variant results in a copy number gain of the genomic region encompassing exon(s) 1 of the AMACR gene. This region includes the initiator codon of the gene. This copy number gain extends beyond the assayed region for this gene and therefore may encompass additional genes. As the precise location of this event is unknown, it may be in tandem or it may be located elsewhere in the genome.